The following is an entry in ClinVar:

NM_001374736.1(DST):c.11920A>C (p.Thr3974Pro)

Gene: DST (dystonin; minus strand). Cytogenetic location: 6p12.1.
Variant type: single nucleotide variant.
Coding change: c.11920A>C on transcript NM_001374736.1 (MANE Select); coding-DNA position 11920, A replaced by C.
Protein change: p.Thr3974Pro; replaces threonine 3974 with proline.
Molecular consequence: missense variant.
Genome position (GRCh38, 1-based): chr6:56,598,484, T>G on the plus strand (A>C on the coding strand, the complement: DST is on the minus strand). VCF-style: chr6-56598484-T-G. GRCh37 (hg19) VCF-style: chr6-56463282-T-G.
Other names: c.5563A>C, p.Thr1855Pro (NM_001144769.5); c.5149A>C, p.Thr1717Pro (NM_001144770.2); c.11920A>C, p.Thr3974Pro (NM_001374722.1); c.11287A>C, p.Thr3763Pro (NM_001374729.1); c.5029A>C, p.Thr1677Pro (NM_001374730.1, NM_001386100.1, NM_183380.4); c.11947A>C, p.Thr3983Pro (NM_001374734.1); c.4051A>C, p.Thr1351Pro (NM_015548.5); short protein forms T1351P, T1677P, T1717P, T1855P, T3763P, T3974P, T3983P.
Identifiers: ClinVar variation 4084459 (VCV004084459.8).

ClinVar aggregate classification (germline): Uncertain significance (1 of 4 stars; one submission).

gnomAD v4.1: 25 of 1,559,128 alleles (0.0016%); highest among the groups gnomAD compares: Middle Eastern, 0.017%; no homozygotes.

Submission:

CeGaT Center for Human Genetics Tuebingen
Classification: Uncertain significance. Last evaluated: 2025-06-01. Review status: criteria provided, single submitter. Criteria: CeGaT Center For Human Genetics Tuebingen Variant Classification Criteria Version 2. Collection method: clinical testing. Allele origin: germline. Affected: yes. Observed: 1 variant allele.
Comment: DST: PM2